The following is an entry in ClinVar:

NM_000133.4(F9):c.1173T>A (p.Tyr391Ter)

Gene: F9 (coagulation factor IX; plus strand). Cytogenetic location: Xq27.1.
Variant type: single nucleotide variant.
Coding change: c.1173T>A on transcript NM_000133.4 (MANE Select); coding-DNA position 1173, T replaced by A.
Protein change: p.Tyr391Ter; replaces tyrosine 391 with a stop codon.
Molecular consequence: nonsense.
Genome position (GRCh38, 1-based): chrX:139,561,858, T>A. VCF-style: chrX-139561858-T-A. GRCh37 (hg19) VCF-style: chrX-138644017-T-A.
Other names: c.1059T>A, p.Tyr353Ter (NM_001313913.2); short protein forms Y353*, Y391*.
Identifiers: ClinVar variation 810868 (VCV000810868.8), dbSNP rs1603267411, ClinGen allele CA414446316.

ClinVar aggregate classification (germline): Pathogenic (1 of 4 stars; one submission).

Allele frequency attached by ClinVar (database versions not stated): TOPMed 0.00001.

Submission:

ARUP Laboratories, Molecular Genetics and Genomics, ARUP Laboratories
Classification: Pathogenic. Last evaluated: 2019-02-14. Review status: criteria provided, single submitter. Criteria: ARUP Molecular Germline Variant Investigation Process. Collection method: clinical testing. Allele origin: germline.
Comment: The F9 c.1173T>A; p.Tyr391Ter variant, also reported as Tyr345Ter, has been described in at least one individual affected with hemophilia B (see like to F9 database and references therein, Wulff 1995). It is absent from the general population databases (Exome Variant Server and Genome Aggregation Database), indicating it is not a common polymorphism. This variant induces an early termination codon; although the mRNA may not be targeted for nonsense-mediated decay, if a stable protein product is produced then it would be truncated and lack the final 71 amino acid residues which are likely crucial for normal protein function. Several downstream truncating variants have been described in individuals affected with hemophilia B and are considered pathogenic (see link to F9 database and references therein). Based on available information, p.Tyr391Ter is considered pathogenic. REFERENCES Link to F9 database: Wulff K et al. Twenty-five novel mutations of the factor IX gene in haemophilia B. Hum Mutat. 1995;6(4):346-8.